The following is an entry in ClinVar:

NM_000124.4(ERCC6):c.364C>A (p.Arg122Ser)

Gene: ERCC6 (ERCC excision repair 6, chromatin remodeling factor; minus strand). Cytogenetic location: 10q11.23.
Variant type: single nucleotide variant.
Coding change: c.364C>A on transcript NM_000124.4 (MANE Select); coding-DNA position 364, C replaced by A.
Protein change: p.Arg122Ser; replaces arginine 122 with serine.
Molecular consequence: missense variant.
Genome position (GRCh38, 1-based): chr10:49,532,601, G>T on the plus strand (C>A on the coding strand, the complement: ERCC6 is on the minus strand). VCF-style: chr10-49532601-G-T. GRCh37 (hg19) VCF-style: chr10-50740647-G-T.
Other names: c.364C>A, p.Arg122Ser (NM_001277058.2, NM_001277059.2, NM_001346440.2); c.364C>A (NM_000124.2); short protein forms R122S.
Identifiers: ClinVar variation 1365439 (VCV001365439.5), dbSNP rs374014916, ClinGen allele CA5496567.

ClinVar aggregate classification (germline): Uncertain significance. Review status: criteria provided, multiple submitters, no conflicts (2 of 4 stars). 2 submissions from 2 submitters: Uncertain significance (2). Last evaluated 2025-03-17.

Conditions:
Inborn genetic diseases. Identifiers: MedGen C0950123, MeSH D030342.

Allele frequency attached by ClinVar (database versions not stated): ESP Exome Variant Server 0.00008.
gnomAD v4.1: 18 of 1,614,090 alleles (0.0011%); highest among the groups gnomAD compares: Non-Finnish European, 0.0015%; no homozygotes.

Submissions (2):

Labcorp Genetics (formerly Invitae), Labcorp
Classification: Uncertain significance. Last evaluated: 2025-03-17. Review status: criteria provided, single submitter. Criteria: Invitae Variant Classification Sherloc (09022015). Collection method: clinical testing. Allele origin: germline.
Comment: This sequence change replaces arginine, which is basic and polar, with serine, which is neutral and polar, at codon 122 of the ERCC6 protein (p.Arg122Ser). This variant is present in population databases (rs374014916, gnomAD 0.004%). This variant has not been reported in the literature in individuals affected with ERCC6-related conditions. ClinVar contains an entry for this variant (Variation ID: 1365439). Invitae Evidence Modeling of protein sequence and biophysical properties (such as structural, functional, and spatial information, amino acid conservation, physicochemical variation, residue mobility, and thermodynamic stability) indicates that this missense variant is not expected to disrupt ERCC6 protein function with a negative predictive value of 95%. In summary, the available evidence is currently insufficient to determine the role of this variant in disease. Therefore, it has been classified as a Variant of Uncertain Significance.

Ambry Genetics
Classification: Uncertain significance for Inborn genetic diseases. Last evaluated: 2024-09-12. Review status: criteria provided, single submitter. Criteria: Ambry Variant Classification Scheme 2023. Collection method: clinical testing. Allele origin: germline.